The following is an entry in ClinVar:

NM_025114.4(CEP290):c.1225del (p.Ile409fs)

Gene: CEP290 (centrosomal protein 290; minus strand). Cytogenetic location: 12q21.32.
Variant type: Deletion.
Coding change: c.1225del on transcript NM_025114.4 (MANE Select); coding-DNA position 1225, one base deleted (A; older notation c.1225delA).
Protein change: p.Ile409fs; shifts the reading frame from isoleucine 409.
Molecular consequence: frameshift variant.
Genome position (GRCh38, 1-based): chr12:88,121,131, T deleted on the plus strand (A on the coding strand, the reverse complement: CEP290 is on the minus strand); the first of 4 consecutive T bases (chr12:88,121,131-88,121,134); deleting any one gives the same sequence. VCF-style (leftmost placement, unchanged base first): chr12-88121130-AT-A. GRCh37 (hg19) VCF-style: chr12-88514907-AT-A.
Other names: c.1225delA (NM_025114.3); short protein forms I409fs.
Identifiers: ClinVar variation 1363453 (VCV001363453.8), dbSNP rs1287628446, ClinGen allele CA693099047.

ClinVar aggregate classification (germline): Pathogenic/Likely pathogenic. Review status: criteria provided, multiple submitters, no conflicts (2 of 4 stars). 4 submissions from 4 submitters: Pathogenic (3); Likely pathogenic (1). Last evaluated 2026-08-26.

Conditions:
CEP290-related ciliopathy. Also called: CEP290 ciliopathy. Identifiers: MedGen CN305601, MONDO:0100451.
Bardet-Biedl syndrome 14 (BBS14). Identifiers: Orphanet 110, MedGen C2673874, MONDO:0014442, OMIM 615991.
CEP290-related disorder. Also called: CEP290-related condition; CEP290-related disorders. Identifiers: MedGen CN239314.
Joubert syndrome. Also called: Familial aplasia of the vermis; JOUBERT-BOLTSHAUSER SYNDROME. Identifiers: Orphanet 475, MedGen C5979921, MONDO:0018772.
Nephronophthisis. Also called: Juvenile Nephronophthisis. Identifiers: Orphanet 655, MedGen C0687120, MONDO:0019005, HP:0000090.
Meckel-Gruber syndrome. Also called: Dysencephalia splachnocystica; GRUBER SYNDROME; DYSENCEPHALIA SPLANCHNOCYSTICA. Identifiers: Orphanet 564, MedGen C0265215, MONDO:0018921.

Submissions (4):

PreventionGenetics, part of Exact Sciences
Classification: Pathogenic for CEP290-related condition. Last evaluated: 2026-08-26. Review status: criteria provided, single submitter. Criteria: ACMG Guidelines, 2015. Collection method: clinical testing. Allele origin: germline.
Comment: The CEP290 c.1225delA variant is predicted to result in a frameshift and premature protein termination (p.Ile409Phefs*5). This variant has been reported in the homozygous state in an individual with developmental delay, intellectual disability, epilepsy and major congenital anomalies (Supplemental Table 1, Nakhleh Francis et al. 2023. PubMed ID: 39669259).To our knowledge this variant has not been reported in a large population database (gnomAD), indicating this variant is rare. Frameshift variants in CEP290 are expected to be pathogenic. This variant is interpreted as likely pathogenic.

Myriad Genetics, Inc.
Classification: Pathogenic for CEP290-related ciliopathy. Last evaluated: 2026-03-30. Review status: criteria provided, single submitter. Criteria: Myriad Autosomal Dominant, Autosomal Recessive and X-Linked Classification Criteria (2023). Collection method: clinical testing. Allele origin: unknown.
Comment: NM_025114.3(CEP290):c.1225delA(I409Ffs*5) is a frameshift variant classified as pathogenic in the context of CEP290-related disorders. I409Ffs*5 has been observed in cases with relevant disease (PMID: 37766766, 39669259). Relevant functional assessments of this variant are not available in the literature. I409Ffs*5 has not been observed in referenced population frequency databases. In summary, NM_025114.3(CEP290):c.1225delA(I409Ffs*5) is a frameshift variant in a gene where loss of function is a known mechanism of disease, is predicted to disrupt protein function, and has been observed more frequently in cases with the relevant disease than in healthy populations. Please note: this variant was assessed in the context of healthy population screening.

Baylor Genetics
Classification: Likely pathogenic for Bardet-Biedl syndrome 14. Last evaluated: 2023-10-09. Review status: criteria provided, single submitter. Criteria: ACMG Guidelines, 2015. Collection method: clinical testing. Allele origin: unknown.

Labcorp Genetics (formerly Invitae), Labcorp
Classification: Pathogenic for Joubert syndrome; Meckel-Gruber syndrome; Nephronophthisis. Last evaluated: 2021-05-13. Review status: criteria provided, single submitter. Criteria: Invitae Variant Classification Sherloc (09022015). Collection method: clinical testing. Allele origin: germline.
Comment: This sequence change creates a premature translational stop signal (p.Ile409Phefs*5) in the CEP290 gene. It is expected to result in an absent or disrupted protein product. Loss-of-function variants in CEP290 are known to be pathogenic (PMID: 16909394, 17345604, 20690115). This variant is not present in population databases (ExAC no frequency). This variant has not been reported in the literature in individuals with CEP290-related conditions. For these reasons, this variant has been classified as Pathogenic.

Literature cited by the submitters: PubMed 37766766 (cited by Myriad Genetics, Inc.); PubMed 39669259 (cited by Myriad Genetics, Inc.); PubMed 16909394 (cited by Labcorp Genetics (formerly Invitae), Labcorp); PubMed 17345604 (cited by Labcorp Genetics (formerly Invitae), Labcorp); PubMed 20690115 (cited by Labcorp Genetics (formerly Invitae), Labcorp).